The following is an entry in ClinVar:

ClinVar aggregate classification (germline): Uncertain significance. Review status: criteria provided, multiple submitters, no conflicts (2 of 4 stars). 2 submissions from 2 submitters: Uncertain significance (2). Last evaluated 2022-03-20.

Conditions:
Inflammatory skin and bowel disease, neonatal, 1. Identifiers: Orphanet 294023, MedGen C3280501, MONDO:0013693, OMIM 614328.

Allele frequency attached by ClinVar (database versions not stated): gnomAD exomes below 0.00001 and 0.00003; ExAC 0.00005; gnomAD 0.00007 and 0.00008; TOPMed 0.00008; ESP Exome Variant Server 0.00015.
gnomAD v4.1: 13 of 1,613,950 alleles (0.00081%); highest among the groups gnomAD compares: African/African-American, 0.016%; no homozygotes.

Submissions (2):

Labcorp Genetics (formerly Invitae), Labcorp
Classification: Uncertain significance for Inflammatory skin and bowel disease, neonatal, 1. Last evaluated: 2022-03-20. Review status: criteria provided, single submitter. Criteria: Invitae Variant Classification Sherloc (09022015). Collection method: clinical testing. Allele origin: germline.
Comment: This sequence change replaces valine, which is neutral and non-polar, with isoleucine, which is neutral and non-polar, at codon 632 of the ADAM17 protein (p.Val632Ile). This variant is present in population databases (rs371598292, gnomAD 0.04%). This variant has not been reported in the literature in individuals affected with ADAM17-related conditions. ClinVar contains an entry for this variant (Variation ID: 846745). Algorithms developed to predict the effect of missense changes on protein structure and function are either unavailable or do not agree on the potential impact of this missense change (SIFT: "Not Available"; PolyPhen-2: "Possibly Damaging"; Align-GVGD: "Not Available"). In summary, the available evidence is currently insufficient to determine the role of this variant in disease. Therefore, it has been classified as a Variant of Uncertain Significance.

Mayo Clinic Laboratories, Mayo Clinic
Classification: Uncertain significance. Last evaluated: 2021-06-08. Review status: criteria provided, single submitter. Criteria: ACMG Guidelines, 2015. Collection method: clinical testing. Allele origin: germline.

NM_003183.6(ADAM17):c.1894G>A (p.Val632Ile)

Genes: ADAM17 (ADAM metallopeptidase domain 17; minus strand), IAH1 (isoamyl acetate hydrolyzing esterase 1 (putative); plus strand). Cytogenetic location: 2p25.1.
Variant type: single nucleotide variant.
Coding change: c.1894G>A on transcript NM_003183.6 (MANE Select); coding-DNA position 1894, G replaced by A.
Protein change: p.Val632Ile; replaces valine 632 with isoleucine.
Molecular consequence: missense variant.
Genome position (GRCh38, 1-based): chr2:9,494,657, C>T on the plus strand (G>A on the coding strand, the complement: ADAM17 is on the minus strand). VCF-style: chr2-9494657-C-T. GRCh37 (hg19) VCF-style: chr2-9634786-C-T.
Other names: p.Val632Ile; short protein forms V632I.
Identifiers: ClinVar variation 846745 (VCV000846745.10), dbSNP rs371598292, ClinGen allele CA1523386.